The following is an entry in ClinVar:

NM_001025603.2(RFX5):c.1333G>T (p.Ala445Ser)

Gene: RFX5 (regulatory factor X5; minus strand). Cytogenetic location: 1q21.3.
Variant type: single nucleotide variant.
Coding change: c.1333G>T on transcript NM_001025603.2 (MANE Select); coding-DNA position 1333, G replaced by T.
Protein change: p.Ala445Ser; replaces alanine 445 with serine.
Molecular consequence: missense variant.
Genome position (GRCh38, 1-based): chr1:151,342,704, C>A on the plus strand (G>T on the coding strand, the complement: RFX5 is on the minus strand). VCF-style: chr1-151342704-C-A. GRCh37 (hg19) VCF-style: chr1-151315180-C-A.
Other names: c.1333G>T, p.Ala445Ser (NM_000449.4, NM_001379412.1, NM_001379413.1 and 5 more transcripts); c.1213G>T, p.Ala405Ser (NM_001379419.1, NM_001379420.1); short protein forms A445S, A405S.
Identifiers: ClinVar variation 1524316 (VCV001524316.6), dbSNP rs752775566, ClinGen allele CA341927355.

ClinVar aggregate classification (germline): Uncertain significance (1 of 4 stars; one submission).

Conditions:
MHC class II deficiency. Also called: Bare lymphocyte syndrome 2; BLS, TYPE II. Identifiers: Orphanet 572, MedGen C5447452, MONDO:0008855.

gnomAD v4.1: 1 of 1,614,228 alleles (0.000062%); highest among the groups gnomAD compares: African/African-American, 0.0013%; no homozygotes.

Submission:

Labcorp Genetics (formerly Invitae), Labcorp
Classification: Uncertain significance for MHC class II deficiency. Last evaluated: 2022-06-13. Review status: criteria provided, single submitter. Criteria: Invitae Variant Classification Sherloc (09022015). Collection method: clinical testing. Allele origin: germline.
Comment: In summary, the available evidence is currently insufficient to determine the role of this variant in disease. Therefore, it has been classified as a Variant of Uncertain Significance. Algorithms developed to predict the effect of missense changes on protein structure and function (SIFT, PolyPhen-2, Align-GVGD) all suggest that this variant is likely to be tolerated. This variant has not been reported in the literature in individuals affected with RFX5-related conditions. This variant is present in population databases (no rsID available, gnomAD 0.007%). This sequence change replaces alanine, which is neutral and non-polar, with serine, which is neutral and polar, at codon 445 of the RFX5 protein (p.Ala445Ser).